The following is an entry in ClinVar:

NM_006766.5(KAT6A):c.945dup (p.Gly316fs)

Gene: KAT6A (lysine acetyltransferase 6A; minus strand). Cytogenetic location: 8p11.21.
Variant type: Duplication.
Coding change: c.945dup on transcript NM_006766.5 (MANE Select); coding-DNA position 945, one base duplicated (A; older notation c.945dupA).
Protein change: p.Gly316fs; shifts the reading frame from glycine 316.
Molecular consequence: frameshift variant.
Genome position (GRCh38, 1-based): chr8:41,978,740, T duplicated on the plus strand (A on the coding strand, the reverse complement: KAT6A is on the minus strand); the first of 6 consecutive T bases (chr8:41,978,740-41,978,745); duplicating any one gives the same sequence. VCF-style (leftmost placement, unchanged base first): chr8-41978739-C-CT. GRCh37 (hg19) VCF-style: chr8-41836257-C-CT.
Other names: c.945dup, p.Gly316fs (NM_001305878.2); short protein forms G316fs.
Identifiers: ClinVar variation 4293522 (VCV004293522.1).
Genomic context (GRCh38, chr8:41,978,739, plus strand): 5'-CTATTGGATTAGTATAGCGCCGTTTTATCTGTGCTGCCTTCTTTTGTAGAAGTTTTCGTC[C>CT]TTTTTTCCTAGGTCGACATATTTGACATATCCACATGCCTATAAAAAAATAAAATTCCAC-3'

ClinVar aggregate classification (germline): Likely pathogenic (1 of 4 stars; one submission).

Conditions:
Autosomal dominant intellectual disability-craniofacial anomalies-cardiac defects syndrome (ARTHS). Also called: Arboleda-Tham syndrome; KAT6A syndrome; Mental retardation, autosomal dominant 32. Identifiers: Orphanet 457193, MedGen C4225396, MONDO:0014558, OMIM 616268.

Submission:

3billion
Classification: Likely pathogenic for Autosomal dominant intellectual disability-craniofacial anomalies-cardiac defects syndrome. Last evaluated: 2024-12-18. Review status: criteria provided, single submitter. Criteria: ACMG Guidelines, 2015. Collection method: clinical testing. Allele origin: germline. Affected: yes.
Comment: The variant is not observed in the gnomAD v4.1.0 dataset. Predicted Consequence/Location: Frameshift: predicted to result in a loss or disruption of normal protein function through nonsense-mediated decay (NMD) or protein truncation. Multiple pathogenic variants are reported downstream of the variant. Therefore, this variant is classified as Likely pathogenic according to the recommendation of ACMG/AMP guideline.